The following is an entry in ClinVar:

ClinVar aggregate classification (germline): Likely benign. Review status: criteria provided, multiple submitters, no conflicts (2 of 4 stars). 3 submissions from 2 submitters: Likely benign (3). Last evaluated 2018-01-13.

Conditions:
Hypertrophic osteoarthropathy, primary, autosomal recessive, 1 (PHOAR1). Also called: PHO, AUTOSOMAL RECESSIVE. Identifiers: Orphanet 1525, Orphanet 2796, MedGen C4551679, MONDO:0024546, OMIM 259100.
Isolated congenital digital clubbing. Also called: ACROPACHY, HEREDITARY; CLUBBING OF DIGITS. Identifiers: Orphanet 217059, MedGen C0345408, MONDO:0007343, OMIM 119900.

Allele frequency attached by ClinVar (database versions not stated): 1000 Genomes Project 0.00339; 1000 Genomes Project 30x 0.00359; TOPMed 0.00786; gnomAD 0.00804 and 0.00837; gnomAD exomes 0.01100.
gnomAD v4.1: 12,828 of 1,207,976 alleles (1.1%); highest among the groups gnomAD compares: Non-Finnish European, 1.3%; 89 homozygotes.

Submissions (3):

Illumina Laboratory Services, Illumina
Classification: Likely benign for Isolated congenital digital clubbing. Last evaluated: 2018-01-13. Review status: criteria provided, single submitter. Criteria: ICSL Variant Classification Criteria 13 December 2019. Collection method: clinical testing. Allele origin: germline.
Comment: This variant was observed in the ICSL laboratory as part of a predisposition screen in an ostensibly healthy population. It had not been previously curated by ICSL or reported in the Human Gene Mutation Database (HGMD: prior to June 1st, 2018), and was therefore a candidate for classification through an automated scoring system. Utilizing variant allele frequency, disease prevalence and penetrance estimates, and inheritance mode, an automated score was calculated to assess if this variant is too frequent to cause the disease. Based on the score and internal cut-off values, a variant classified as likely benign is not then subjected to further curation. The score for this variant resulted in a classification of likely benign for this disease.

Illumina Laboratory Services, Illumina
Classification: Likely benign for Hypertrophic osteoarthropathy, primary, autosomal recessive, 1. Last evaluated: 2018-01-13. Review status: criteria provided, single submitter. Criteria: ICSL Variant Classification Criteria 13 December 2019. Collection method: clinical testing. Allele origin: germline.
Comment: the same text as in the submission from Illumina Laboratory Services, Illumina above.

Breakthrough Genomics
Classification: Likely benign. Review status: criteria provided, single submitter. Criteria: ACMG Guidelines, 2015. Collection method: not provided. Allele origin: germline. Inheritance: Autosomal recessive inheritance. Affected: yes.

NM_000860.6(HPGD):c.*95C>G

Gene: HPGD (15-hydroxyprostaglandin dehydrogenase; minus strand). Cytogenetic location: 4q34.1.
Variant type: single nucleotide variant.
Coding change: c.*95C>G on transcript NM_000860.6 (MANE Select); 95 bases downstream of the stop codon, C replaced by G.
Molecular consequence: 3 prime UTR variant.
Genome position (GRCh38, 1-based): chr4:174,491,861, G>C on the plus strand (C>G on the coding strand, the complement: HPGD is on the minus strand). VCF-style: chr4-174491861-G-C. GRCh37 (hg19) VCF-style: chr4-175413012-G-C.
Other names: c.*195C>G (NM_001145816.3); c.*95C>G (NM_001256301.1, NM_001256306.2, NM_001256307.2); c.*223C>G (NM_001256305.2).
Identifiers: ClinVar variation 348196 (VCV000348196.6), dbSNP rs186313653, ClinGen allele CA10620548.